The following is an entry in ClinVar:

ClinVar aggregate classification (germline): Uncertain significance (1 of 4 stars; one submission).

Allele frequency attached by ClinVar (database versions not stated): gnomAD exomes below 0.00001; TOPMed below 0.00001; ExAC 0.00001; gnomAD 0.00001.
gnomAD v4.1: 6 of 1,611,386 alleles (0.00037%); highest among the groups gnomAD compares: East Asian, 0.0022%; no homozygotes.

Submission:

Labcorp Genetics (formerly Invitae), Labcorp
Classification: Uncertain significance. Last evaluated: 2022-10-04. Review status: criteria provided, single submitter. Criteria: Invitae Variant Classification Sherloc (09022015). Collection method: clinical testing. Allele origin: germline.
Comment: This sequence change replaces asparagine, which is neutral and polar, with serine, which is neutral and polar, at codon 348 of the ASAH1 protein (p.Asn348Ser). This variant is present in population databases (rs781477468, gnomAD 0.005%). This variant has not been reported in the literature in individuals affected with ASAH1-related conditions. Algorithms developed to predict the effect of missense changes on protein structure and function output the following: SIFT: "Deleterious"; PolyPhen-2: "Benign"; Align-GVGD: "Class C45". The serine amino acid residue is found in multiple mammalian species, which suggests that this missense change does not adversely affect protein function. In summary, the available evidence is currently insufficient to determine the role of this variant in disease. Therefore, it has been classified as a Variant of Uncertain Significance.

NM_177924.5(ASAH1):c.1043A>G (p.Asn348Ser)

Gene: ASAH1 (N-acylsphingosine amidohydrolase 1; minus strand). Cytogenetic location: 8p22.
Variant type: single nucleotide variant.
Coding change: c.1043A>G on transcript NM_177924.5 (MANE Select); coding-DNA position 1043, A replaced by G.
Protein change: p.Asn348Ser; replaces asparagine 348 with serine.
Molecular consequence: missense variant.
Genome position (GRCh38, 1-based): chr8:18,058,890, T>C on the plus strand (A>G on the coding strand, the complement: ASAH1 is on the minus strand). VCF-style: chr8-18058890-T-C. GRCh37 (hg19) VCF-style: chr8-17916399-T-C.
Other names: c.1025A>G, p.Asn342Ser (NM_001127505.3); c.848A>G, p.Asn283Ser (NM_001363743.2); c.1091A>G, p.Asn364Ser (NM_004315.6); short protein forms N364S, N283S, N348S, N342S.
Identifiers: ClinVar variation 1940514 (VCV001940514.2), dbSNP rs781477468, ClinGen allele CA4650556.